The following is an entry in ClinVar:

ClinVar aggregate classification (germline): Pathogenic (1 of 4 stars; one submission).

Conditions:
Familial cancer of breast. Also called: Hereditary breast cancer; hereditary breast carcinoma; BREAST CANCER, FAMILIAL. Identifiers: Orphanet 227535, MedGen C0346153, MONDO:0016419, OMIM 114480. Disease mechanism: loss of function.

Submission:

Labcorp Genetics (formerly Invitae), Labcorp
Classification: Pathogenic for Familial cancer of breast. Last evaluated: 2022-10-30. Review status: criteria provided, single submitter. Criteria: Invitae Variant Classification Sherloc (09022015). Collection method: clinical testing. Allele origin: germline.
Comment: This variant is a gross deletion of the genomic region encompassing exon(s) 3-4 of the CHEK2 gene. This variant would be expected to be in-frame, preserving the integrity of the reading frame. A similar copy number variant has been observed in individual(s) with hereditary cancer (PMID: 24763289). This variant disrupts the forkhead associated domain of the CHEK2 protein, which is essential for protein function (PMID: 30264118, 31843900, 29785007). While functional studies have not been performed to directly test the effect of this variant on CHEK2 protein function, this suggests that disruption of this region of the protein is causative of disease. For these reasons, this variant has been classified as Pathogenic.

Literature cited by the submitters: PubMed 24763289; PubMed 30264118; PubMed 31843900; PubMed 29785007.

NC_000022.11:g.(?_28724967)_(28725377_?)del

Gene: CHEK2 (checkpoint kinase 2; minus strand). Cytogenetic location: 22q12.1.
Variant type: Deletion.
Identifiers: ClinVar variation 584151 (VCV000584151.5).